The following is an entry in ClinVar:

NM_012154.5(AGO2):c.22+12178A>G

Gene: AGO2 (argonaute RISC catalytic component 2; minus strand). Cytogenetic location: 8q24.3.
Variant type: single nucleotide variant.
Coding change: c.22+12178A>G on transcript NM_012154.5 (MANE Select); 12178 bases into the intron after coding-DNA position 22, A replaced by G.
Molecular consequence: intron variant.
Genome position (GRCh38, 1-based): chr8:140,623,307, T>C on the plus strand (A>G on the coding strand, the complement: AGO2 is on the minus strand). VCF-style: chr8-140623307-T-C. GRCh37 (hg19) VCF-style: chr8-141633406-T-C.
Other names: c.22+12178A>G (NM_001164623.3).
Identifiers: ClinVar variation 2658867 (VCV002658867.24), dbSNP rs1007452304, ClinGen allele CA186542807.

ClinVar aggregate classification (germline): Benign (1 of 4 stars; one submission).

Allele frequency attached by ClinVar (database versions not stated): gnomAD 0.00022.

Submission:

CeGaT Center for Human Genetics Tuebingen
Classification: Benign. Last evaluated: 2022-08-01. Review status: criteria provided, single submitter. Criteria: CeGaT Center For Human Genetics Tuebingen Variant Classification Criteria Version 2. Collection method: clinical testing. Allele origin: germline. Affected: yes. Observed: 1 variant allele.
Comment: AGO2: BS1, BS2